The following is an entry in ClinVar:

ClinVar aggregate classification (germline): Uncertain significance (1 of 4 stars; one submission).

Allele frequency attached by ClinVar (database versions not stated): gnomAD 0.00001; gnomAD exomes 0.00001; TOPMed 0.00001; ExAC 0.00002.
gnomAD v4.1: 3 of 1,614,092 alleles (0.00019%); highest among the groups gnomAD compares: Admixed American, 0.0033%; no homozygotes.

Submission:

Labcorp Genetics (formerly Invitae), Labcorp
Classification: Uncertain significance. Last evaluated: 2022-03-29. Review status: criteria provided, single submitter. Criteria: Invitae Variant Classification Sherloc (09022015). Collection method: clinical testing. Allele origin: germline.
Comment: This variant has not been reported in the literature in individuals affected with MCM3AP-related conditions. In summary, the available evidence is currently insufficient to determine the role of this variant in disease. Therefore, it has been classified as a Variant of Uncertain Significance. Algorithms developed to predict the effect of missense changes on protein structure and function output the following: SIFT: "Tolerated"; PolyPhen-2: "Benign"; Align-GVGD: "Class C0". The serine amino acid residue is found in multiple mammalian species, which suggests that this missense change does not adversely affect protein function. This variant is present in population databases (rs778025438, gnomAD 0.006%). This sequence change replaces cysteine, which is neutral and slightly polar, with serine, which is neutral and polar, at codon 913 of the MCM3AP protein (p.Cys913Ser).

NM_003906.5(MCM3AP):c.2738G>C (p.Cys913Ser)

Gene: MCM3AP (minichromosome maintenance complex component 3 associated protein; minus strand). Cytogenetic location: 21q22.3.
Variant type: single nucleotide variant.
Coding change: c.2738G>C on transcript NM_003906.5 (MANE Select); coding-DNA position 2738, G replaced by C.
Protein change: p.Cys913Ser; replaces cysteine 913 with serine.
Molecular consequence: missense variant.
Genome position (GRCh38, 1-based): chr21:46,267,033, C>G on the plus strand (G>C on the coding strand, the complement: MCM3AP is on the minus strand). VCF-style: chr21-46267033-C-G. GRCh37 (hg19) VCF-style: chr21-47686947-C-G.
Other names: short protein forms C913S.
Identifiers: ClinVar variation 1371997 (VCV001371997.6), dbSNP rs778025438, ClinGen allele CA10076760.